The following is an entry in ClinVar:

NM_032271.3(TRAF7):c.722C>G (p.Pro241Arg)

Gene: TRAF7 (TNF receptor associated factor 7; plus strand). Cytogenetic location: 16p13.3.
Variant type: single nucleotide variant.
Coding change: c.722C>G on transcript NM_032271.3 (MANE Select); coding-DNA position 722, C replaced by G.
Protein change: p.Pro241Arg; replaces proline 241 with arginine.
Molecular consequence: missense variant.
Genome position (GRCh38, 1-based): chr16:2,172,527, C>G. VCF-style: chr16-2172527-C-G. GRCh37 (hg19) VCF-style: chr16-2222528-C-G.
Other names: short protein forms P241R.
Identifiers: ClinVar variation 5020890 (VCV005020890.1).

ClinVar aggregate classification (germline): Uncertain significance (1 of 4 stars; one submission).

gnomAD v4.1: 4 of 1,592,384 alleles (0.00025%); highest among the groups gnomAD compares: Admixed American, 0.0017%; no homozygotes.

Submission:

Dasa
Classification: Uncertain significance. Last evaluated: 2025-08-15. Review status: criteria provided, single submitter. Criteria: DASA Assertion Criteria. Collection method: clinical testing. Allele origin: germline.
Comment: NM_032271.3(TRAF7):c.722C>G (p.Pro241Arg) is a missense variant that results in the substitution of proline with arginine. This variant is rare in population databases. Computational prediction algorithms are consistent with a benign effect. The currently available literature and clinical evidence are not sufficient to establish a definitive association between this variant and the reported condition. Therefore, this variant is classified as a variant of uncertain significance.